The following is an entry in ClinVar:

ClinVar aggregate classification (germline): Uncertain significance. Review status: criteria provided, multiple submitters, no conflicts (2 of 4 stars). 4 submissions from 4 submitters: Uncertain significance (4). Last evaluated 2025-03-13.

Conditions:
Deficiency of butyryl-CoA dehydrogenase (ACADSD). Also called: SCADH DEFICIENCY; SCAD DEFICIENCY, MILD; ACYL-CoA DEHYDROGENASE, SHORT-CHAIN, DEFICIENCY OF; ACADS DEFICIENCY; SCAD Deficiency; Short-Chain Acyl-CoA Dehydrogenase Deficiency. Identifiers: Orphanet 26792, MedGen C0342783, MONDO:0008722, OMIM 201470. Disease mechanism: May be benign.

Allele frequency attached by ClinVar (database versions not stated): gnomAD 0.00002 and 0.00003; gnomAD exomes 0.00002 and 0.00004; ExAC 0.00003; TOPMed 0.00004; 1000 Genomes Project 30x 0.00016; 1000 Genomes Project 0.00020.
gnomAD v4.1: 62 of 1,613,058 alleles (0.0038%); highest among the groups gnomAD compares: Non-Finnish European, 0.0046%; no homozygotes.

Submissions (4):

Labcorp Genetics (formerly Invitae), Labcorp
Classification: Uncertain significance for Deficiency of butyryl-CoA dehydrogenase. Last evaluated: 2025-03-13. Review status: criteria provided, single submitter. Criteria: Invitae Variant Classification Sherloc (09022015). Collection method: clinical testing. Allele origin: germline.
Comment: This sequence change replaces glycine, which is neutral and non-polar, with serine, which is neutral and polar, at codon 369 of the ACADS protein (p.Gly369Ser). This variant is present in population databases (rs145466253, gnomAD 0.01%). This variant has not been reported in the literature in individuals affected with ACADS-related conditions. ClinVar contains an entry for this variant (Variation ID: 203561). Invitae Evidence Modeling of protein sequence and biophysical properties (such as structural, functional, and spatial information, amino acid conservation, physicochemical variation, residue mobility, and thermodynamic stability) has been performed for this missense variant. However, the output from this modeling did not meet the statistical confidence thresholds required to predict the impact of this variant on ACADS protein function. In summary, the available evidence is currently insufficient to determine the role of this variant in disease. Therefore, it has been classified as a Variant of Uncertain Significance.

CeGaT Center for Human Genetics Tuebingen
Classification: Uncertain significance. Last evaluated: 2023-02-01. Review status: criteria provided, single submitter. Criteria: CeGaT Center For Human Genetics Tuebingen Variant Classification Criteria Version 2. Collection method: clinical testing. Allele origin: germline. Affected: yes. Observed: 1 variant allele.
Comment: ACADS: PM2, PP3

Genome-Nilou Lab
Classification: Uncertain significance for Deficiency of butyryl-CoA dehydrogenase. Last evaluated: 2021-11-07. Review status: criteria provided, single submitter. Criteria: ACMG Guidelines, 2015. Collection method: clinical testing. Allele origin: germline. Affected: no.

GeneDx
Classification: Uncertain significance. Last evaluated: 2016-11-08. Review status: criteria provided, single submitter. Criteria: GeneDx Variant Classification (06012015). Collection method: clinical testing. Allele origin: germline. Affected: yes.
Comment: The G369S variant has not been published as a pathogenic variant, nor has it been reported as a benign variant to our knowledge. The G369S variant was not observed in approximately 6,400 individuals of European and African American ancestry in the NHLBI Exome Sequencing Project, indicating it is not a common benign variant in these populations. The G369S variant is a non-conservative amino acid substitution, which is likely to impact secondary protein structure as these residues differ in polarity, charge, size and/or other properties. This substitution occurs at a position that is conserved across species, and in silico analysis predicts this variant is probably damaging to the protein structure/function. Therefore, based on the currently available information, it is unclear whether this variant is a pathogenic variant or a rare benign variant.

NM_000017.4(ACADS):c.1105G>A (p.Gly369Ser)

Gene: ACADS (acyl-CoA dehydrogenase short chain; plus strand). Cytogenetic location: 12q24.31.
Variant type: single nucleotide variant.
Coding change: c.1105G>A on transcript NM_000017.4 (MANE Select); coding-DNA position 1105, G replaced by A.
Protein change: p.Gly369Ser; replaces glycine 369 with serine.
Molecular consequence: missense variant.
Genome position (GRCh38, 1-based): chr12:120,739,314, G>A. VCF-style: chr12-120739314-G-A. GRCh37 (hg19) VCF-style: chr12-121177117-G-A.
Other names: p.G369S:GGC>AGC; c.1093G>A, p.Gly365Ser (NM_001302554.2); short protein forms G369S, G365S.
Identifiers: ClinVar variation 203561 (VCV000203561.37), dbSNP rs145466253, ClinGen allele CA312230.